The following is an entry in ClinVar:

NM_030973.4(MED25):c.1060T>C (p.Ser354Pro)

Gene: MED25 (mediator complex subunit 25; plus strand). Cytogenetic location: 19q13.33.
Variant type: single nucleotide variant.
Coding change: c.1060T>C on transcript NM_030973.4 (MANE Select); coding-DNA position 1060, T replaced by C.
Protein change: p.Ser354Pro; replaces serine 354 with proline.
Molecular consequence: missense variant.
Genome position (GRCh38, 1-based): chr19:49,830,846, T>C. VCF-style: chr19-49830846-T-C. GRCh37 (hg19) VCF-style: chr19-50334103-T-C.
Other names: c.1060T>C, p.Ser354Pro (NM_001378355.1); short protein forms S354P.
Identifiers: ClinVar variation 1465297 (VCV001465297.6), dbSNP rs2123880302, ClinGen allele CA406915368.

ClinVar aggregate classification (germline): Uncertain significance (1 of 4 stars; one submission).

Conditions:
Charcot-Marie-Tooth disease type 2. Also called: Charcot-Marie-Tooth type 2. Identifiers: Orphanet 64746, MedGen C0270914, MONDO:0018993.

Allele frequency attached by ClinVar (database versions not stated): gnomAD exomes below 0.00001.
gnomAD v4.1: 4 of 1,612,142 alleles (0.00025%); highest among the groups gnomAD compares: Non-Finnish European, 0.00034%; no homozygotes.

Submission:

Labcorp Genetics (formerly Invitae), Labcorp
Classification: Uncertain significance for Charcot-Marie-Tooth disease type 2. Last evaluated: 2021-07-28. Review status: criteria provided, single submitter. Criteria: Invitae Variant Classification Sherloc (09022015). Collection method: clinical testing. Allele origin: germline.
Comment: In summary, the available evidence is currently insufficient to determine the role of this variant in disease. Therefore, it has been classified as a Variant of Uncertain Significance. Algorithms developed to predict the effect of missense changes on protein structure and function output the following: SIFT: "Tolerated"; PolyPhen-2: "Benign"; Align-GVGD: "Class C0". The proline amino acid residue is found in multiple mammalian species, which suggests that this missense change does not adversely affect protein function. This variant has not been reported in the literature in individuals affected with MED25-related conditions. This variant is not present in population databases (ExAC no frequency). This sequence change replaces serine with proline at codon 354 of the MED25 protein (p.Ser354Pro). The serine residue is weakly conserved and there is a moderate physicochemical difference between serine and proline.